The following is an entry in ClinVar:

NM_032843.5(FIBCD1):c.712+3G>A

Gene: FIBCD1 (fibrinogen C domain containing 1; minus strand). Cytogenetic location: 9q34.12.
Variant type: single nucleotide variant.
Coding change: c.712+3G>A on transcript NM_032843.5 (MANE Select); 3 bases into the intron after coding-DNA position 712, G replaced by A.
Molecular consequence: intron variant.
Genome position (GRCh38, 1-based): chr9:130,924,234, C>T on the plus strand (G>A on the coding strand, the complement: FIBCD1 is on the minus strand). VCF-style: chr9-130924234-C-T. GRCh37 (hg19) VCF-style: chr9-133799621-C-T.
Other names: c.712+3G>A (NM_001145106.2).
Identifiers: ClinVar variation 2659618 (VCV002659618.24), dbSNP rs184563385, ClinGen allele CA5286446.
Genomic context (GRCh38, chr9:130,924,234, plus strand): 5'-CTTCCCCGCTCCCCAGAGCTGGGACCCGAGGCACCGGAGGAAGGCAGGCCCTGCCCCACT[C>T]ACCAGTGGCACAGCCCCGGGGCCGGGTTCCCCGGGCAGGCGCTCTCTGAAGGTCGGCCTT-3'

ClinVar aggregate classification (germline): Likely benign (1 of 4 stars; one submission).

Allele frequency attached by ClinVar (database versions not stated): 1000 Genomes Project 0.00080; 1000 Genomes Project 30x 0.00094; ESP Exome Variant Server 0.00257; gnomAD 0.00364; ExAC 0.00394; TOPMed 0.00425.
gnomAD v4.1: 6,768 of 1,586,494 alleles (0.43%); highest among the groups gnomAD compares: Admixed American, 0.56%; 18 homozygotes.

Submission:

CeGaT Center for Human Genetics Tuebingen
Classification: Likely benign. Last evaluated: 2023-01-01. Review status: criteria provided, single submitter. Criteria: CeGaT Center For Human Genetics Tuebingen Variant Classification Criteria Version 2. Collection method: clinical testing. Allele origin: germline. Affected: yes. Observed: 1 variant allele.
Comment: FIBCD1: BP4, BS2